The following is an entry in ClinVar:

ClinVar aggregate classification (germline): Uncertain significance (1 of 4 stars; one submission).

Allele frequency attached by ClinVar (database versions not stated): gnomAD 0.00001; gnomAD exomes 0.00002 and 0.00005; TOPMed 0.00002; ExAC 0.00004.
gnomAD v4.1: 15 of 1,613,656 alleles (0.00093%); highest among the groups gnomAD compares: Admixed American, 0.025%; no homozygotes.

Submission:

Labcorp Genetics (formerly Invitae), Labcorp
Classification: Uncertain significance. Last evaluated: 2025-05-26. Review status: criteria provided, single submitter. Criteria: Invitae Variant Classification Sherloc (09022015). Collection method: clinical testing. Allele origin: germline.
Comment: This sequence change replaces methionine, which is neutral and non-polar, with isoleucine, which is neutral and non-polar, at codon 388 of the NFKB1 protein (p.Met388Ile). This variant is present in population databases (rs770371198, gnomAD 0.04%). This variant has not been reported in the literature in individuals affected with NFKB1-related conditions. ClinVar contains an entry for this variant (Variation ID: 1468301). Invitae Evidence Modeling of protein sequence and biophysical properties (such as structural, functional, and spatial information, amino acid conservation, physicochemical variation, residue mobility, and thermodynamic stability) indicates that this missense variant is not expected to disrupt NFKB1 protein function with a negative predictive value of 80%. In summary, the available evidence is currently insufficient to determine the role of this variant in disease. Therefore, it has been classified as a Variant of Uncertain Significance.

NM_003998.4(NFKB1):c.1164G>T (p.Met388Ile)

Gene: NFKB1 (nuclear factor kappa B subunit 1; plus strand). Cytogenetic location: 4q24.
Variant type: single nucleotide variant.
Coding change: c.1164G>T on transcript NM_003998.4 (MANE Select); coding-DNA position 1164, G replaced by T.
Protein change: p.Met388Ile; replaces methionine 388 with isoleucine.
Molecular consequence: missense variant.
Genome position (GRCh38, 1-based): chr4:102,593,522, G>T. VCF-style: chr4-102593522-G-T. GRCh37 (hg19) VCF-style: chr4-103514679-G-T.
Other names: c.1161G>T, p.Met387Ile (NM_001165412.2, NM_001319226.2, NM_001382627.1); c.1164G>T, p.Met388Ile (NM_001382625.1, NM_001382626.1); c.1122G>T, p.Met374Ile (NM_001382628.1); short protein forms M388I, M387I, M374I.
Identifiers: ClinVar variation 1468301 (VCV001468301.8), dbSNP rs770371198, ClinGen allele CA3026085.